The following is an entry in ClinVar:

ClinVar aggregate classification (germline): Uncertain significance. Review status: criteria provided, multiple submitters, no conflicts (2 of 4 stars). 2 submissions from 2 submitters: Uncertain significance (2). Last evaluated 2026-06-16.

Conditions:
ETFDH-related disorder. Also called: ETFDH-related condition.

gnomAD v4.1: 1 of 1,592,098 alleles (0.000063%); highest among the groups gnomAD compares: African/African-American, 0.0013%; no homozygotes.

Submissions (2):

PreventionGenetics, part of Exact Sciences
Classification: Uncertain significance for ETFDH-related condition. Last evaluated: 2026-06-16. Review status: criteria provided, single submitter. Criteria: ACMG Guidelines, 2015. Collection method: clinical testing. Allele origin: germline.
Comment: The ETFDH c.625G>C variant is predicted to result in the amino acid substitution p.Gly209Arg. To our knowledge, this variant has not been reported in the literature. This variant is reported in 0.0062% of alleles in individuals of African descent in gnomAD. At this time, the clinical significance of this variant is uncertain due to the absence of conclusive functional and genetic evidence.

GeneDx
Classification: Uncertain significance. Last evaluated: 2026-03-26. Review status: criteria provided, single submitter. Criteria: GeneDx Variant Classification Process June 2021. Collection method: clinical testing. Allele origin: germline.
Comment: Not observed at significant frequency in large population cohorts (gnomAD); In silico analysis supports that this missense variant has a deleterious effect on protein structure/function; Has not been previously published as pathogenic or benign to our knowledge

NM_004453.4(ETFDH):c.625G>C (p.Gly209Arg)

Gene: ETFDH (electron transfer flavoprotein dehydrogenase; plus strand). Cytogenetic location: 4q32.1.
Variant type: single nucleotide variant.
Coding change: c.625G>C on transcript NM_004453.4 (MANE Select); coding-DNA position 625, G replaced by C.
Protein change: p.Gly209Arg; replaces glycine 209 with arginine.
Molecular consequence: missense variant.
Genome position (GRCh38, 1-based): chr4:158,690,366, G>C. VCF-style: chr4-158690366-G-C. GRCh37 (hg19) VCF-style: chr4-159611518-G-C.
Other names: c.625G>C (NM_004453.2); c.484G>C, p.Gly162Arg (NM_001281737.2); c.442G>C, p.Gly148Arg (NM_001281738.1); short protein forms G162R, G148R, G209R.
Identifiers: ClinVar variation 4982671 (VCV004982671.2).